The following is an entry in ClinVar:

NM_033026.6(PCLO):c.11826T>G (p.Pro3942=)

Gene: PCLO (piccolo presynaptic cytomatrix protein; minus strand). Cytogenetic location: 7q21.11.
Variant type: single nucleotide variant.
Coding change: c.11826T>G on transcript NM_033026.6 (MANE Select); coding-DNA position 11826, T replaced by G.
Protein change: p.Pro3942=; no amino-acid change (proline 3942 retained).
Molecular consequence: synonymous variant.
Genome position (GRCh38, 1-based): chr7:82,916,160, A>C on the plus strand (T>G on the coding strand, the complement: PCLO is on the minus strand). VCF-style: chr7-82916160-A-C. GRCh37 (hg19) VCF-style: chr7-82545476-A-C.
Other names: c.11826T>G (NM_033026.5); c.11826T>G, p.Pro3942= (NM_014510.3).
Identifiers: ClinVar variation 2873564 (VCV002873564.5), dbSNP rs2535553629, ClinGen allele CA456337001.
Genomic context (GRCh38, chr7:82,916,160, plus strand): 5'-CTTCTGTTGTATCACCATCATCTGTGAAGGTAACTGATAAGAAGGCTGTGGGGTTGGTGT[A>C]GGTTGAACTTGAGGTGTGAAGGACATTGTTGCCACAGCTTGGAATGTTGGCTGAGTCTGA-3'
Protein context (NP_149015.2, residues 3932-3952): ATMSFTPQVQ[Pro3942=]TPTPQPSYQL

ClinVar aggregate classification (germline): Likely benign. Review status: criteria provided, single submitter (1 of 4 stars). 2 submissions from 2 submitters: Likely benign (1). 1 of the submissions does not count toward it. Last evaluated 2023-03-20.

Conditions:
PCLO-related disorder. Also called: PCLO-related condition.

Submissions (2):

Labcorp Genetics (formerly Invitae), Labcorp
Classification: Likely benign. Last evaluated: 2023-03-20. Review status: criteria provided, single submitter. Criteria: Invitae Variant Classification Sherloc (09022015). Collection method: clinical testing. Allele origin: germline.

PreventionGenetics, part of Exact Sciences
Classification: Likely benign for PCLO-related condition. Last evaluated: 2023-02-25. Review status: no assertion criteria provided. Collection method: clinical testing. Allele origin: germline. Not counted in ClinVar's aggregate classification.
Comment: This variant is classified as likely benign based on ACMG/AMP sequence variant interpretation guidelines (Richards et al. 2015 PMID: 25741868, with internal and published modifications).